The following is an entry in ClinVar:

ClinVar aggregate classification (germline): Likely benign. Review status: criteria provided, multiple submitters, no conflicts (2 of 4 stars). 3 submissions from 3 submitters: Likely benign (2). 1 of the submissions does not count toward it. Last evaluated 2024-09-04.

Conditions:
ALG9-related disorder. Also called: ALG9-related condition.
ALG9 congenital disorder of glycosylation (CDG1L). Also called: CDG Il; CONGENITAL DISORDER OF GLYCOSYLATION, TYPE Il; ALG9-CDG. Identifiers: Orphanet 79328, MedGen C2931006, MONDO:0012117, OMIM 608776.

Allele frequency attached by ClinVar (database versions not stated): ExAC 0.00004; gnomAD 0.00006; gnomAD exomes 0.00007 and 0.00020; TOPMed 0.00013.
gnomAD v4.1: 300 of 1,611,816 alleles (0.019%); highest among the groups gnomAD compares: Non-Finnish European, 0.024%; no homozygotes.

Submissions (3):

Labcorp Genetics (formerly Invitae), Labcorp
Classification: Likely benign for ALG9 congenital disorder of glycosylation. Last evaluated: 2024-09-04. Review status: criteria provided, single submitter. Criteria: Invitae Variant Classification Sherloc (09022015). Collection method: clinical testing. Allele origin: germline.

GeneDx
Classification: Likely benign. Last evaluated: 2016-08-17. Review status: criteria provided, single submitter. Criteria: GeneDx Variant Classification (06012015). Collection method: clinical testing. Allele origin: germline. Affected: yes.
Comment: This variant is considered likely benign or benign based on one or more of the following criteria: it is a conservative change, it occurs at a poorly conserved position in the protein, it is predicted to be benign by multiple in silico algorithms, and/or has population frequency not consistent with disease.

PreventionGenetics, part of Exact Sciences
Classification: Likely benign for ALG9-related condition. Last evaluated: 2024-06-07. Review status: no assertion criteria provided. Collection method: clinical testing. Allele origin: germline. Not counted in ClinVar's aggregate classification.
Comment: This variant is classified as likely benign based on ACMG/AMP sequence variant interpretation guidelines (Richards et al. 2015 PMID: 25741868, with internal and published modifications).

NM_024740.2(ALG9):c.790-4T>C

Gene: ALG9 (ALG9 alpha-1,2-mannosyltransferase; minus strand). Cytogenetic location: 11q23.1.
Variant type: single nucleotide variant.
Coding change: c.790-4T>C on transcript NM_024740.2 (MANE Select); 4 bases into the intron before coding-DNA position 790, T replaced by C.
Molecular consequence: intron variant.
Genome position (GRCh38, 1-based): chr11:111,853,489, A>G on the plus strand (T>C on the coding strand, the complement: ALG9 is on the minus strand). VCF-style: chr11-111853489-A-G. GRCh37 (hg19) VCF-style: chr11-111724212-A-G.
Other names: c.277-4T>C (NM_001352416.1, NM_001352419.1, NM_001352415.1 and 11 more transcripts); c.790-4T>C (NM_001352418.1, NM_001352417.1, NM_001077690.1); c.202-4T>C (NM_001352422.2).
Identifiers: ClinVar variation 388350 (VCV000388350.9), dbSNP rs534732271, ClinGen allele CA6274555.
Genomic context (GRCh38, chr11:111,853,489, plus strand): 5'-GAGTGGTGCAATCACCAACTTCCCATAATAGTAGCTGTCAATGACCACCACAGGCACCTA[A>G]AACAGAGCAGAAAATAGTTTTGATCTAGAAACATTCTCAAAATGCTAATAGGATAAACCT-3'